The following is an entry in ClinVar:

NM_001130009.3(GEN1):c.2525G>A (p.Ser842Asn)

Gene: GEN1 (GEN1 structure-specific endonuclease; plus strand). Cytogenetic location: 2p24.2.
Variant type: single nucleotide variant.
Coding change: c.2525G>A on transcript NM_001130009.3 (MANE Select); coding-DNA position 2525, G replaced by A.
Protein change: p.Ser842Asn; replaces serine 842 with asparagine.
Molecular consequence: missense variant.
Genome position (GRCh38, 1-based): chr2:17,781,737, G>A. VCF-style: chr2-17781737-G-A. GRCh37 (hg19) VCF-style: chr2-17963004-G-A.
Other names: c.2525G>A (NM_001130009.1); c.2525G>A, p.Ser842Asn (NM_182625.5); short protein forms S842N.
Identifiers: ClinVar variation 3710304 (VCV003710304.4).

ClinVar aggregate classification (germline): Conflicting classifications of pathogenicity. Review status: criteria provided, conflicting classifications (1 of 4 stars). 2 submissions from 2 submitters: Uncertain significance (1); Likely benign (1). Last evaluated 2025-08-09.

gnomAD v4.1: 3 of 1,613,452 alleles (0.00019%); highest among the groups gnomAD compares: Admixed American, 0.0033%; no homozygotes.

Submissions (2):

Ambry Genetics
Classification: Likely benign. Last evaluated: 2025-08-09. Review status: criteria provided, single submitter. Criteria: Ambry Variant Classification Scheme 2023. Collection method: clinical testing. Allele origin: germline.

Labcorp Genetics (formerly Invitae), Labcorp
Classification: Uncertain significance. Last evaluated: 2025-07-01. Review status: criteria provided, single submitter. Criteria: Invitae Variant Classification Sherloc (09022015). Collection method: clinical testing. Allele origin: germline.
Comment: This sequence change replaces serine, which is neutral and polar, with asparagine, which is neutral and polar, at codon 842 of the GEN1 protein (p.Ser842Asn). This variant is present in population databases (no rsID available, gnomAD 0.003%). This variant has not been reported in the literature in individuals affected with GEN1-related conditions. ClinVar contains an entry for this variant (Variation ID: 3710304). An algorithm developed to predict the effect of missense changes on protein structure and function outputs the following: PolyPhen-2: "Benign". The asparagine amino acid residue is found in multiple mammalian species, which suggests that this missense change does not adversely affect protein function. In summary, the available evidence is currently insufficient to determine the role of this variant in disease. Therefore, it has been classified as a Variant of Uncertain Significance.